The following is an entry in ClinVar:

NM_001378418.1(TCF20):c.3041A>G (p.Glu1014Gly)

Gene: TCF20 (transcription factor 20; minus strand). Cytogenetic location: 22q13.2.
Variant type: single nucleotide variant.
Coding change: c.3041A>G on transcript NM_001378418.1 (MANE Select); coding-DNA position 3041, A replaced by G.
Protein change: p.Glu1014Gly; replaces glutamic acid 1014 with glycine.
Molecular consequence: missense variant.
Genome position (GRCh38, 1-based): chr22:42,212,265, T>C on the plus strand (A>G on the coding strand, the complement: TCF20 is on the minus strand). VCF-style: chr22-42212265-T-C. GRCh37 (hg19) VCF-style: chr22-42608271-T-C.
Other names: c.3041A>G, p.Glu1014Gly (NM_005650.4, NM_181492.3); short protein forms E1014G.
Identifiers: ClinVar variation 1313435 (VCV001313435.2), dbSNP rs2147207894, ClinGen allele CA411787354.

ClinVar aggregate classification (germline): Uncertain significance (1 of 4 stars; one submission).

Submission:

GeneDx
Classification: Uncertain significance. Last evaluated: 2020-02-11. Review status: criteria provided, single submitter. Criteria: GeneDx Variant Classification Process June 2021. Collection method: clinical testing. Allele origin: germline. Affected: yes.
Comment: Not observed in large population cohorts (Lek et al., 2016); In silico analysis supports that this missense variant does not alter protein structure/function; Has not been previously published as pathogenic or benign to our knowledge